The following is an entry in ClinVar:

ClinVar aggregate classification (germline): Uncertain significance (1 of 4 stars; one submission).

Conditions:
Dilated cardiomyopathy 1O (CMD1O). Also called: CARDIOMYOPATHY, DILATED, WITH VENTRICULAR TACHYCARDIA. Identifiers: Orphanet 154, MedGen C1837839, MONDO:0012062, OMIM 608569.

gnomAD v4.1: 2 of 1,611,988 alleles (0.00012%); highest among the groups gnomAD compares: South Asian, 0.0022%; no homozygotes.

Submission:

Labcorp Genetics (formerly Invitae), Labcorp
Classification: Uncertain significance for Dilated cardiomyopathy 1O. Last evaluated: 2024-03-26. Review status: criteria provided, single submitter. Criteria: Invitae Variant Classification Sherloc (09022015). Collection method: clinical testing. Allele origin: germline.
Comment: This sequence change replaces aspartic acid, which is acidic and polar, with asparagine, which is neutral and polar, at codon 692 of the ABCC9 protein (p.Asp692Asn). This variant is not present in population databases (gnomAD no frequency). This variant has not been reported in the literature in individuals affected with ABCC9-related conditions. Advanced modeling of protein sequence and biophysical properties (such as structural, functional, and spatial information, amino acid conservation, physicochemical variation, residue mobility, and thermodynamic stability) performed at Invitae indicates that this missense variant is not expected to disrupt ABCC9 protein function with a negative predictive value of 95%. In summary, the available evidence is currently insufficient to determine the role of this variant in disease. Therefore, it has been classified as a Variant of Uncertain Significance.

NM_020297.4(ABCC9):c.2074G>A (p.Asp692Asn)

Gene: ABCC9 (ATP binding cassette subfamily C member 9; minus strand). Cytogenetic location: 12p12.1.
Variant type: single nucleotide variant.
Coding change: c.2074G>A on transcript NM_020297.4 (MANE Select); coding-DNA position 2074, G replaced by A.
Protein change: p.Asp692Asn; replaces aspartic acid 692 with asparagine.
Molecular consequence: missense variant.
Genome position (GRCh38, 1-based): chr12:21,875,672, C>T on the plus strand (G>A on the coding strand, the complement: ABCC9 is on the minus strand). VCF-style: chr12-21875672-C-T. GRCh37 (hg19) VCF-style: chr12-22028606-C-T.
Other names: c.2074G>A, p.Asp692Asn (NM_001377273.1, NM_005691.4); c.1210G>A, p.Asp404Asn (NM_001377274.1); short protein forms D404N, D692N.
Identifiers: ClinVar variation 4805153 (VCV004805153.1).